The following is an entry in ClinVar:

ClinVar aggregate classification (germline): Uncertain significance (1 of 4 stars; one submission).

gnomAD v4.1: 10 of 1,613,622 alleles (0.00062%); highest among the groups gnomAD compares: Middle Eastern, 0.033%; no homozygotes.

Submission:

Labcorp Genetics (formerly Invitae), Labcorp
Classification: Uncertain significance. Last evaluated: 2024-10-11. Review status: criteria provided, single submitter. Criteria: Invitae Variant Classification Sherloc (09022015). Collection method: clinical testing. Allele origin: germline.
Comment: This sequence change replaces lysine, which is basic and polar, with glutamic acid, which is acidic and polar, at codon 285 of the HMCN1 protein (p.Lys285Glu). This variant is present in population databases (rs777446811, gnomAD 0.003%). This variant has not been reported in the literature in individuals affected with HMCN1-related conditions. An algorithm developed to predict the effect of missense changes on protein structure and function (PolyPhen-2) suggests that this variant is likely to be disruptive. In summary, the available evidence is currently insufficient to determine the role of this variant in disease. Therefore, it has been classified as a Variant of Uncertain Significance.

NM_031935.3(HMCN1):c.853A>G (p.Lys285Glu)

Gene: HMCN1 (hemicentin 1; plus strand). Cytogenetic location: 1q31.1.
Variant type: single nucleotide variant.
Coding change: c.853A>G on transcript NM_031935.3 (MANE Select); coding-DNA position 853, A replaced by G.
Protein change: p.Lys285Glu; replaces lysine 285 with glutamic acid.
Molecular consequence: missense variant.
Genome position (GRCh38, 1-based): chr1:185,911,733, A>G. VCF-style: chr1-185911733-A-G. GRCh37 (hg19) VCF-style: chr1-185880865-A-G.
Other names: short protein forms K285E.
Identifiers: ClinVar variation 3678773 (VCV003678773.2).